The following is an entry in ClinVar:

NM_000321.3(RB1):c.2211G>T (p.Glu737Asp)

Gene: RB1 (RB transcriptional corepressor 1; plus strand). Cytogenetic location: 13q14.2.
Variant type: single nucleotide variant.
Coding change: c.2211G>T on transcript NM_000321.3 (MANE Select); coding-DNA position 2211, G replaced by T.
Protein change: p.Glu737Asp; replaces glutamic acid 737 with aspartic acid.
Molecular consequence: missense variant.
Genome position (GRCh38, 1-based): chr13:48,463,835, G>T. VCF-style: chr13-48463835-G-T. GRCh37 (hg19) VCF-style: chr13-49037971-G-T.
Other names: short protein forms E737D.
Identifiers: ClinVar variation 527898 (VCV000527898.9), dbSNP rs587776787, ClinGen allele CA388167239.
Genomic context (GRCh38, chr13:48,463,835, plus strand): 5'-AGACCTTAAATTCAAAATCATTGTAACAGCATACAAGGATCTTCCTCATGCTGTTCAGGA[G>T]GTAGGTAATTTTCCATAGTAAGTTTTTTTGATAAATCCATATCCATAACATAACATAGGT-3'
Protein context (NP_000312.2, residues 727-747): AYKDLPHAVQ[Glu737Asp]TFKRVLIKEE

ClinVar aggregate classification (germline): Pathogenic. Review status: criteria provided, multiple submitters, no conflicts (2 of 4 stars). 2 submissions from 2 submitters: Pathogenic (2). Last evaluated 2026-05-29.

Conditions:
Retinoblastoma (RB1). Also called: RETINOBLASTOMA, SOMATIC. Identifiers: Orphanet 790, MedGen C0035335, MeSH D012175, MONDO:0008380, OMIM 180200, HP:0009919. Disease mechanism: loss of function. Inheritance: Both sporadic and heritable forms are tested..

Submissions (2):

Diller/Parad Lab, Dana-Farber/Harvard Cancer Center
Classification: Pathogenic for Retinoblastoma. Last evaluated: 2026-05-29. Review status: criteria provided, single submitter. Criteria: ACMG Guidelines, 2015. Collection method: research. Allele origin: germline. Affected: yes.
Comment: It has been classified as Pathogenic using Richards et al (PMID:25741868) based on the following evidence codes: PM2, PM1, PP3.

Labcorp Genetics (formerly Invitae), Labcorp
Classification: Pathogenic for Retinoblastoma. Last evaluated: 2018-03-17. Review status: criteria provided, single submitter. Criteria: Invitae Variant Classification Sherloc (09022015). Collection method: clinical testing. Allele origin: germline.
Comment: Other variants affecting this nucleotide (c.2211G>C and c.2211G>A) have been determined to be pathogenic (PMID: 18181215, 19390654, 22328814, 12541220, 9341870). This suggests that this nucleotide is important for normal RNA splicing, and that other variants at this position may also be pathogenic. For these reasons, this variant has been classified as Pathogenic. Nucleotide substitutions within the consensus splice site are a relatively common cause of aberrant splicing (PMID: 17576681, 9536098). Algorithms developed to predict the effect of sequence changes on RNA splicing suggest that this variant may disrupt the consensus splice site, but this prediction has not been confirmed by published transcriptional studies. This sequence change replaces glutamic acid with aspartic acid at codon 737 of the RB1 protein (p.Glu737Asp). The glutamic acid residue is highly conserved and there is a small physicochemical difference between glutamic acid and aspartic acid. This variant also falls at the last nucleotide of exon 21 of the RB1 coding sequence, which is part of the consensus splice site for this exon. This variant is not present in population databases (ExAC no frequency). Algorithms developed to predict the effect of missense changes on protein structure and function (SIFT, PolyPhen-2, Align-GVGD) all suggest that this variant is likely to be disruptive, but these predictions have not been confirmed by published functional studies and their clinical significance is uncertain.

Literature cited by the submitters: PubMed 18181215 (cited by Labcorp Genetics (formerly Invitae), Labcorp); PubMed 19390654 (cited by Labcorp Genetics (formerly Invitae), Labcorp); PubMed 22328814 (cited by Labcorp Genetics (formerly Invitae), Labcorp); PubMed 12541220 (cited by Labcorp Genetics (formerly Invitae), Labcorp); PubMed 9341870 (cited by Labcorp Genetics (formerly Invitae), Labcorp); PubMed 17576681 (cited by Labcorp Genetics (formerly Invitae), Labcorp); PubMed 9536098 (cited by Labcorp Genetics (formerly Invitae), Labcorp).